The following is an entry in ClinVar:

ClinVar aggregate classification (germline): Uncertain significance (1 of 4 stars; one submission).

Conditions:
Epileptic encephalopathy. Identifiers: MedGen C0543888, HP:0200134.

Submission:

Labcorp Genetics (formerly Invitae), Labcorp
Classification: Uncertain significance for Epileptic encephalopathy. Last evaluated: 2020-11-21. Review status: criteria provided, single submitter. Criteria: Invitae Variant Classification Sherloc (09022015). Collection method: clinical testing. Allele origin: germline.
Comment: This variant is not present in population databases (ExAC no frequency). In summary, the available evidence is currently insufficient to determine the role of this variant in disease. Therefore, it has been classified as a Variant of Uncertain Significance. Algorithms developed to predict the effect of missense changes on protein structure and function are either unavailable or do not agree on the potential impact of this missense change (SIFT: "Deleterious"; PolyPhen-2: "Possibly Damaging"; Align-GVGD: "Class C0"). This variant has not been reported in the literature in individuals with RYR3-related conditions. This sequence change replaces phenylalanine with leucine at codon 421 of the RYR3 protein (p.Phe421Leu). The phenylalanine residue is highly conserved and there is a small physicochemical difference between phenylalanine and leucine.

NM_001036.6(RYR3):c.1263T>G (p.Phe421Leu)

Gene: RYR3 (ryanodine receptor 3; plus strand). Cytogenetic location: 15q14.
Variant type: single nucleotide variant.
Coding change: c.1263T>G on transcript NM_001036.6 (MANE Select); coding-DNA position 1263, T replaced by G.
Protein change: p.Phe421Leu; replaces phenylalanine 421 with leucine.
Molecular consequence: missense variant.
Genome position (GRCh38, 1-based): chr15:33,566,794, T>G. VCF-style: chr15-33566794-T-G. GRCh37 (hg19) VCF-style: chr15-33858995-T-G.
Other names: c.1263T>G, p.Phe421Leu (NM_001243996.4); short protein forms F421L.
Identifiers: ClinVar variation 1482181 (VCV001482181.8), dbSNP rs2152491034, ClinGen allele CA391565976.